The following is an entry in ClinVar:

NM_013275.6(ANKRD11):c.7404_7427del (p.Glu2468_Tyr2476delinsAsp)

Gene: ANKRD11 (ankyrin repeat domain 11; minus strand). Cytogenetic location: 16q24.3.
Variant type: Deletion.
Coding change: c.7404_7427del on transcript NM_013275.6 (MANE Select); coding-DNA positions 7404 to 7427, 24 bases deleted (GTACGTCACCTACACGGGCTCCTA).
Protein change: p.Glu2468_Tyr2476delinsAsp.
Molecular consequence: inframe indel.
Genome position (GRCh38, 1-based): chr16:89,279,115-89,279,138, TAGGAGCCCGTGTAGGTGACGTAC deleted on the plus strand (GTACGTCACCTACACGGGCTCCTA on the coding strand, the reverse complement: ANKRD11 is on the minus strand); deleting any 24 consecutive bases within chr16:89,279,115-89,279,139 gives the same sequence; the c. name uses the placement nearest the transcript's 3' end. VCF-style (leftmost placement, unchanged base first): chr16-89279114-GTAGGAGCCCGTGTAGGTGACGTAC-G. GRCh37 (hg19) VCF-style: chr16-89345522-GTAGGAGCCCGTGTAGGTGACGTAC-G.
Other names: c.7404_7427del, p.Glu2468_Tyr2476delinsAsp (NM_001256182.2, NM_001256183.2).
Identifiers: ClinVar variation 1251944 (VCV001251944.1), dbSNP rs2151729090, ClinGen allele CA2499223771.

ClinVar aggregate classification (germline): Uncertain significance (1 of 4 stars; one submission).

Conditions:
KBG syndrome (KBGS). Also called: ANKRD11-Related KBG Syndrome. Identifiers: Orphanet 2332, MedGen C0220687, MONDO:0007846, OMIM 148050.

Submission:

HudsonAlpha Institute for Biotechnology
Classification: Uncertain significance for KBG syndrome. Last evaluated: 2021-04-26. Review status: criteria provided, single submitter. Criteria: ACMG Guidelines, 2015. Collection method: research. Allele origin: maternal. Observed: 1 variant allele. Study: HudsonAlpha-AGHI-WGS.
Comment: ACMG codes:PM2, PM4